The following is an entry in ClinVar:

ClinVar aggregate classification (germline): Uncertain significance (1 of 4 stars; one submission).

Conditions:
Familial hemophagocytic lymphohistiocytosis 3 (FHL3). Also called: UNC13D-Related Familial Hemophagocytic Lymphohistiocytosis (UNC13D-fHLH). Identifiers: Orphanet 540, MedGen C1837174, MONDO:0012146, OMIM 608898.

Submission:

Labcorp Genetics (formerly Invitae), Labcorp
Classification: Uncertain significance for Familial hemophagocytic lymphohistiocytosis 3. Last evaluated: 2022-10-05. Review status: criteria provided, single submitter. Criteria: Invitae Variant Classification Sherloc (09022015). Collection method: clinical testing. Allele origin: germline.
Comment: This sequence change falls in intron 21 of the UNC13D gene. It does not directly change the encoded amino acid sequence of the UNC13D protein. It affects a nucleotide within the consensus splice site. This variant is not present in population databases (gnomAD no frequency). This variant has not been reported in the literature in individuals affected with UNC13D-related conditions. ClinVar contains an entry for this variant (Variation ID: 962931). Variants that disrupt the consensus splice site are a relatively common cause of aberrant splicing (PMID: 17576681, 9536098). Algorithms developed to predict the effect of sequence changes on RNA splicing suggest that this variant may create or strengthen a splice site. In summary, the available evidence is currently insufficient to determine the role of this variant in disease. Therefore, it has been classified as a Variant of Uncertain Significance.

Literature cited by the submitters: PubMed 17576681; PubMed 9536098.

NM_199242.3(UNC13D):c.1992+5G>T

Gene: UNC13D (unc-13 homolog D; minus strand). Cytogenetic location: 17q25.1.
Variant type: single nucleotide variant.
Coding change: c.1992+5G>T on transcript NM_199242.3 (MANE Select); 5 bases into the intron after coding-DNA position 1992, G replaced by T.
Molecular consequence: intron variant.
Genome position (GRCh38, 1-based): chr17:75,834,915, C>A on the plus strand (G>T on the coding strand, the complement: UNC13D is on the minus strand). VCF-style: chr17-75834915-C-A. GRCh37 (hg19) VCF-style: chr17-73830996-C-A.
Identifiers: ClinVar variation 962931 (VCV000962931.8), dbSNP rs17581728, ClinGen allele CA1139665880.